The following is an entry in ClinVar:

NM_014714.4(IFT140):c.4120C>T (p.Arg1374Cys)

Gene: IFT140 (intraflagellar transport 140; minus strand). Cytogenetic location: 16p13.3.
Variant type: single nucleotide variant.
Coding change: c.4120C>T on transcript NM_014714.4 (MANE Select); coding-DNA position 4120, C replaced by T.
Protein change: p.Arg1374Cys; replaces arginine 1374 with cysteine.
Molecular consequence: missense variant.
Genome position (GRCh38, 1-based): chr16:1,518,278, G>A on the plus strand (C>T on the coding strand, the complement: IFT140 is on the minus strand). VCF-style: chr16-1518278-G-A. GRCh37 (hg19) VCF-style: chr16-1568279-G-A.
Other names: short protein forms R1374C.
Identifiers: ClinVar variation 2475189 (VCV002475189.6), dbSNP rs781716683, ClinGen allele CA7812901.

ClinVar aggregate classification (germline): Uncertain significance. Review status: criteria provided, multiple submitters, no conflicts (2 of 4 stars). 3 submissions from 3 submitters: Uncertain significance (3). Last evaluated 2025-11-23.

Conditions:
Inborn genetic diseases. Identifiers: MedGen C0950123, MeSH D030342.
Saldino-Mainzer syndrome (SRTD9). Also called: CONORENAL SYNDROME; SHORT-RIB THORACIC DYSPLASIA 9 WITHOUT POLYDACTYLY; short-rib thoracic dysplasia 9 with or without polydactyly; Renal dysplasia, retinal pigmentary dystrophy, cerebellar ataxia and skeletal dysplasia. Identifiers: Orphanet 140969, MedGen C1849437, MONDO:0009964, OMIM 266920.

Allele frequency attached by ClinVar (database versions not stated): ExAC 0.00002; gnomAD 0.00002; gnomAD exomes 0.00002; TOPMed 0.00003.
gnomAD v4.1: 25 of 1,613,964 alleles (0.0015%); highest among the groups gnomAD compares: South Asian, 0.011%; 1 homozygote.

Submissions (3):

Ambry Genetics
Classification: Uncertain significance for Inborn genetic diseases. Last evaluated: 2025-11-23. Review status: criteria provided, single submitter. Criteria: Ambry Variant Classification Scheme 2023. Collection method: clinical testing. Allele origin: germline.

Labcorp Genetics (formerly Invitae), Labcorp
Classification: Uncertain significance for Saldino-Mainzer syndrome. Last evaluated: 2025-04-16. Review status: criteria provided, single submitter. Criteria: Invitae Variant Classification Sherloc (09022015). Collection method: clinical testing. Allele origin: germline.
Comment: This sequence change replaces arginine, which is basic and polar, with cysteine, which is neutral and slightly polar, at codon 1374 of the IFT140 protein (p.Arg1374Cys). This variant is present in population databases (rs781716683, gnomAD 0.01%). This variant has not been reported in the literature in individuals affected with IFT140-related conditions. ClinVar contains an entry for this variant (Variation ID: 2475189). Invitae Evidence Modeling of protein sequence and biophysical properties (such as structural, functional, and spatial information, amino acid conservation, physicochemical variation, residue mobility, and thermodynamic stability) has been performed for this missense variant. However, the output from this modeling did not meet the statistical confidence thresholds required to predict the impact of this variant on IFT140 protein function. In summary, the available evidence is currently insufficient to determine the role of this variant in disease. Therefore, it has been classified as a Variant of Uncertain Significance.

Blueprint Genetics
Classification: Uncertain significance. Last evaluated: 2020-08-28. Review status: criteria provided, single submitter. Criteria: ACMG Guidelines, 2015. Collection method: clinical testing. Allele origin: germline.